The following is an entry in ClinVar:

ClinVar aggregate classification (germline): Uncertain significance (1 of 4 stars; one submission).

Allele frequency attached by ClinVar (database versions not stated): gnomAD exomes below 0.00001; ExAC 0.00001.
gnomAD v4.1: 1 of 1,611,734 alleles (0.000062%); highest among the groups gnomAD compares: Admixed American, 0.0017%; no homozygotes.

Submission:

Labcorp Genetics (formerly Invitae), Labcorp
Classification: Uncertain significance. Last evaluated: 2022-04-10. Review status: criteria provided, single submitter. Criteria: Invitae Variant Classification Sherloc (09022015). Collection method: clinical testing. Allele origin: germline.
Comment: In summary, the available evidence is currently insufficient to determine the role of this variant in disease. Therefore, it has been classified as a Variant of Uncertain Significance. Algorithms developed to predict the effect of missense changes on protein structure and function are either unavailable or do not agree on the potential impact of this missense change (SIFT: "Deleterious"; PolyPhen-2: "Benign"; Align-GVGD: "Class C0"). This variant has not been reported in the literature in individuals affected with DHX32-related conditions. This variant is present in population databases (rs749109426, gnomAD 0.003%). This sequence change replaces glycine, which is neutral and non-polar, with valine, which is neutral and non-polar, at codon 295 of the DHX32 protein (p.Gly295Val).

NM_018180.3(DHX32):c.884G>T (p.Gly295Val)

Gene: DHX32 (DEAH-box helicase 32 (putative); minus strand). Cytogenetic location: 10q26.2.
Variant type: single nucleotide variant.
Coding change: c.884G>T on transcript NM_018180.3 (MANE Select); coding-DNA position 884, G replaced by T.
Protein change: p.Gly295Val; replaces glycine 295 with valine.
Molecular consequence: missense variant.
Genome position (GRCh38, 1-based): chr10:125,854,169, C>A on the plus strand (G>T on the coding strand, the complement: DHX32 is on the minus strand). VCF-style: chr10-125854169-C-A. GRCh37 (hg19) VCF-style: chr10-127542738-C-A.
Other names: short protein forms G295V.
Identifiers: ClinVar variation 2121157 (VCV002121157.4), dbSNP rs749109426, ClinGen allele CA5739355.